The following is an entry in ClinVar:

ClinVar aggregate classification (germline): Uncertain significance (1 of 4 stars; one submission).

Submission:

Mayo Clinic Laboratories, Mayo Clinic
Classification: Uncertain significance. Last evaluated: 2025-02-03. Review status: criteria provided, single submitter. Criteria: ACMG Guidelines, 2015. Collection method: clinical testing. Allele origin: germline. Observed: 1 variant allele.
Comment: PM2_supporting, PM4

NM_019616.4(F7):c.158_172dup (p.Glu57_Glu58insGlyGluCysLysGlu)

Gene: F7 (coagulation factor VII; plus strand). Cytogenetic location: 13q34.
Variant type: Duplication.
Coding change: c.158_172dup on transcript NM_019616.4 (MANE Select); coding-DNA positions 158 to 172, 15 bases duplicated (GGGAGTGCAAGGAGG).
Protein change: p.Glu57_Glu58insGlyGluCysLysGlu.
Molecular consequence: inframe insertion. On other transcripts: non-coding transcript variant (1), intron variant (1).
Genome position (GRCh38, 1-based): chr13:113,110,783-113,110,797, GGGAGTGCAAGGAGG duplicated. VCF-style (leftmost placement, unchanged base first): chr13-113110782-A-AGGGAGTGCAAGGAGG. GRCh37 (hg19) VCF-style: chr13-113765096-A-AGGGAGTGCAAGGAGG.
Other names: p.Glu79_Glu80insGlyGluCysLysGlu; c.224_238dup, p.Glu79_Glu80insGlyGluCysLysGlu (NM_000131.5); c.65-3064_65-3050dup (NM_001267554.2).
Identifiers: ClinVar variation 4541806 (VCV004541806.1).
Genomic context (GRCh38, chr13:113,110,782, plus strand): 5'-CTGCACCGGCGCCGGCGCGCCAACGCGTTCCTGGAGGAGCTGCGGCCGGGCTCCCTGGAG[A>AGGGAGTGCAAGGAGG]GGGAGTGCAAGGAGGAGCAGTGCTCCTTCGAGGAGGCCCGGGAGATCTTCAAGGACGCGG-3'